The following is an entry in ClinVar:

NM_006514.4(SCN10A):c.2020T>G (p.Cys674Gly)

Gene: SCN10A (sodium voltage-gated channel alpha subunit 10; minus strand). Cytogenetic location: 3p22.2.
Variant type: single nucleotide variant.
Coding change: c.2020T>G on transcript NM_006514.4 (MANE Select); coding-DNA position 2020, T replaced by G.
Protein change: p.Cys674Gly; replaces cysteine 674 with glycine.
Molecular consequence: missense variant.
Genome position (GRCh38, 1-based): chr3:38,742,377, A>C on the plus strand (T>G on the coding strand, the complement: SCN10A is on the minus strand). VCF-style: chr3-38742377-A-C. GRCh37 (hg19) VCF-style: chr3-38783868-A-C.
Other names: c.2020T>G, p.Cys674Gly (NM_001293306.2); c.1726T>G, p.Cys576Gly (NM_001293307.2); c.2020T>G (NM_006514.2); short protein forms C576G, C674G.
Identifiers: ClinVar variation 3716221 (VCV003716221.3).

ClinVar aggregate classification (germline): Uncertain significance. Review status: criteria provided, multiple submitters, no conflicts (2 of 4 stars). 2 submissions from 2 submitters: Uncertain significance (2). Last evaluated 2025-01-16.

Conditions:
Cardiovascular phenotype. Identifiers: MedGen CN230736.
Brugada syndrome. Also called: Sudden unexplained nocturnal death syndrome; Sudden Unexplained Nocturnal Death Syndrome (SUNDS); Sudden unexpected nocturnal death syndrome; Sudden Unexplained Death Syndrome. Identifiers: Orphanet 130, MedGen C1142166, MONDO:0015263.

gnomAD v4.1: 4 of 1,614,080 alleles (0.00025%); highest among the groups gnomAD compares: East Asian, 0.0089%; no homozygotes.

Submissions (2):

Ambry Genetics
Classification: Uncertain significance for Cardiovascular phenotype. Last evaluated: 2025-01-16. Review status: criteria provided, single submitter. Criteria: Ambry Variant Classification Scheme 2023. Collection method: clinical testing. Allele origin: germline.
Comment: The p.C674G variant (also known as c.2020T>G), located in coding exon 13 of the SCN10A gene, results from a T to G substitution at nucleotide position 2020. The cysteine at codon 674 is replaced by glycine, an amino acid with highly dissimilar properties. This amino acid position is conserved. In addition, this alteration is predicted to be deleterious by in silico analysis. Based on the available evidence, the clinical significance of this variant remains unclear.

Labcorp Genetics (formerly Invitae), Labcorp
Classification: Uncertain significance for Brugada syndrome. Last evaluated: 2024-10-24. Review status: criteria provided, single submitter. Criteria: Invitae Variant Classification Sherloc (09022015). Collection method: clinical testing. Allele origin: germline.
Comment: This sequence change replaces cysteine, which is neutral and slightly polar, with glycine, which is neutral and non-polar, at codon 674 of the SCN10A protein (p.Cys674Gly). This variant is present in population databases (rs774892364, gnomAD 0.01%). This variant has not been reported in the literature in individuals affected with SCN10A-related conditions. Invitae Evidence Modeling of protein sequence and biophysical properties (such as structural, functional, and spatial information, amino acid conservation, physicochemical variation, residue mobility, and thermodynamic stability) indicates that this missense variant is expected to disrupt SCN10A protein function with a positive predictive value of 80%. In summary, the available evidence is currently insufficient to determine the role of this variant in disease. Therefore, it has been classified as a Variant of Uncertain Significance.